The following is an entry in ClinVar:

NM_021930.6(RINT1):c.2021T>C (p.Phe674Ser)

Genes: EFCAB10 (EF-hand calcium binding domain 10; minus strand), RINT1 (RAD50 interactor 1; plus strand). Cytogenetic location: 7q22.3.
Variant type: single nucleotide variant.
Coding change: c.2021T>C on transcript NM_021930.6 (MANE Select); coding-DNA position 2021, T replaced by C.
Protein change: p.Phe674Ser; replaces phenylalanine 674 with serine.
Molecular consequence: missense variant. On other transcripts: 3 prime UTR variant (2), synonymous variant (1), non-coding transcript variant (1).
Genome position (GRCh38, 1-based): chr7:105,565,411, T>C. VCF-style: chr7-105565411-T-C. GRCh37 (hg19) VCF-style: chr7-105205858-T-C.
Other names: c.*36A>G (NM_001355526.2); c.*138A>G (NM_001355530.2); c.396A>G, p.Arg132= (NM_001355531.2); c.1787T>C, p.Phe596Ser (NM_001346599.2); c.998T>C, p.Phe333Ser (NM_001346600.2, NM_001346603.2); c.1097T>C, p.Phe366Ser (NM_001346601.2); short protein forms F333S, F596S, F674S, F366S.
Identifiers: ClinVar variation 1500720 (VCV001500720.10), dbSNP rs757668486, ClinGen allele CA4426839.

ClinVar aggregate classification (germline): Conflicting classifications of pathogenicity. Review status: criteria provided, conflicting classifications (1 of 4 stars). 2 submissions from 2 submitters: Uncertain significance (1); Likely benign (1). Last evaluated 2024-10-12.

Allele frequency attached by ClinVar (database versions not stated): TOPMed below 0.00001; gnomAD 0.00001; gnomAD exomes 0.00001; ExAC 0.00002.
gnomAD v4.1: 9 of 1,614,112 alleles (0.00056%); highest among the groups gnomAD compares: Admixed American, 0.005%; no homozygotes.

Submissions (2):

Labcorp Genetics (formerly Invitae), Labcorp
Classification: Uncertain significance. Last evaluated: 2024-10-12. Review status: criteria provided, single submitter. Criteria: Invitae Variant Classification Sherloc (09022015). Collection method: clinical testing. Allele origin: germline.
Comment: This sequence change replaces phenylalanine, which is neutral and non-polar, with serine, which is neutral and polar, at codon 674 of the RINT1 protein (p.Phe674Ser). This variant is present in population databases (rs757668486, gnomAD 0.006%). This variant has not been reported in the literature in individuals affected with RINT1-related conditions. ClinVar contains an entry for this variant (Variation ID: 1500720). An algorithm developed to predict the effect of missense changes on protein structure and function outputs the following: PolyPhen-2: "Benign". The serine amino acid residue is found in multiple mammalian species, which suggests that this missense change does not adversely affect protein function. In summary, the available evidence is currently insufficient to determine the role of this variant in disease. Therefore, it has been classified as a Variant of Uncertain Significance.

Ambry Genetics
Classification: Likely benign. Last evaluated: 2024-02-12. Review status: criteria provided, single submitter. Criteria: Ambry Variant Classification Scheme 2023. Collection method: clinical testing. Allele origin: germline.